The following is an entry in ClinVar:

NM_001854.4(COL11A1):c.5273C>T (p.Ala1758Val)

Genes: COL11A1 (collagen type XI alpha 1 chain; minus strand), LOC126805814 (P300/CBP strongly-dependent group 1 enhancer GRCh37_chr1:103344928-103346127; plus strand). Cytogenetic location: 1p21.1.
Variant type: single nucleotide variant.
Coding change: c.5273C>T on transcript NM_001854.4 (MANE Select); coding-DNA position 5273, C replaced by T.
Protein change: p.Ala1758Val; replaces alanine 1758 with valine.
Molecular consequence: missense variant. On other transcripts: non-coding transcript variant (1).
Genome position (GRCh38, 1-based): chr1:102,879,684, G>A on the plus strand (C>T on the coding strand, the complement: COL11A1 is on the minus strand). VCF-style: chr1-102879684-G-A. GRCh37 (hg19) VCF-style: chr1-103345240-G-A.
Other names: c.5156C>T, p.Ala1719Val (NM_001190709.2); c.5309C>T, p.Ala1770Val (NM_080629.3); c.4925C>T, p.Ala1642Val (NM_080630.4); short protein forms A1770V, A1758V, A1642V, A1719V.
Identifiers: ClinVar variation 284750 (VCV000284750.24), dbSNP rs202065765, ClinGen allele CA973279.
Genomic context (GRCh38, chr1:102,879,684, plus strand): 5'-AAACGGTGACATGCTGCCTATCATCTCTGTGAAGGGAGACAAGCAGAACTTATACTCACC[G>A]CACAACCATCATACAGTGTTTTGATAAAAGGATTATTGTCATAGGACATCTCCTCATCAT-3'
Protein context (NP_001845.3, residues 1748-1768): PFIKTLYDGC[Ala1758Val]SRKGYEKTVI

ClinVar aggregate classification (germline): Conflicting classifications of pathogenicity. Review status: criteria provided, conflicting classifications (1 of 4 stars). 8 submissions from 7 submitters: Uncertain significance (6); Likely benign (1). 1 of the submissions does not count toward it. Last evaluated 2026-05-04.

Conditions:
COL11A1-related disorder. Also called: COL11A1-related condition; COL11A1-related disorders.
Retinal dystrophy. Also called: Inherited retinal dystrophy. Identifiers: Orphanet 71862, MedGen C0854723, MeSH D058499, MONDO:0019118, HP:0000556.
Fibrochondrogenesis 1 (FBCG1). Identifiers: Orphanet 2021, MedGen C3278138, MONDO:0009226, OMIM 228520.
Stickler syndrome type 2 (STL2). Also called: STICKLER SYNDROME, TYPE II; STICKLER SYNDROME, BEADED VITREOUS TYPE; STICKLER SYNDROME, VITREOUS TYPE 2; COL11A1-Related Stickler Syndrome. Identifiers: Orphanet 828, Orphanet 90654, MedGen C1858084, MONDO:0011493, OMIM 604841.

Allele frequency attached by ClinVar (database versions not stated): TOPMed 0.00008; gnomAD 0.00011 and 0.00012.
gnomAD v4.1: 195 of 1,612,162 alleles (0.012%); highest among the groups gnomAD compares: Non-Finnish European, 0.015%; no homozygotes.

Submissions (8):

PreventionGenetics, part of Exact Sciences
Classification: Uncertain significance for COL11A1-related condition. Last evaluated: 2026-05-04. Review status: criteria provided, single submitter. Criteria: ACMG Guidelines, 2015. Collection method: clinical testing. Allele origin: germline.
Comment: The COL11A1 c.5273C>T variant is predicted to result in the amino acid substitution p.Ala1758Val. This variant was reported in an individual with joint hypermobility (Supplementary File 3, Leone et al. 2023. PubMed ID: 37079061). This variant is reported in 0.022% of alleles in individuals of European (Non-Finnish) descent in gnomAD. At this time, the clinical significance of this variant is uncertain due to the absence of conclusive functional and genetic evidence.

Labcorp Genetics (formerly Invitae), Labcorp
Classification: Uncertain significance. Last evaluated: 2026-01-12. Review status: criteria provided, single submitter. Criteria: Invitae Variant Classification Sherloc (09022015). Collection method: clinical testing. Allele origin: germline.
Comment: This sequence change replaces alanine, which is neutral and non-polar, with valine, which is neutral and non-polar, at codon 1758 of the COL11A1 protein (p.Ala1758Val). This variant is present in population databases (rs202065765, gnomAD 0.02%). This missense change has been observed in individual(s) with clinical features of COL11A1-related conditions (PMID: 37079061). ClinVar contains an entry for this variant (Variation ID: 284750). Experimental studies and prediction algorithms are not available or were not evaluated, and the functional significance of this variant is currently unknown. In summary, the available evidence is currently insufficient to determine the role of this variant in disease. Therefore, it has been classified as a Variant of Uncertain Significance.

GeneDx
Classification: Uncertain significance. Last evaluated: 2025-06-10. Review status: criteria provided, single submitter. Criteria: GeneDx Variant Classification Process June 2021. Collection method: clinical testing. Allele origin: germline. Affected: yes.
Comment: Identified in a patient with an unclassified form of syndromic joint hypermobility in published literature (PMID: 37079061); Not located in the triple helical region, where the majority of pathogenic missense variants occur (HGMD; PMID: 25240749); In silico analysis suggests that this missense variant does not alter protein structure/function; This variant is associated with the following publications: (PMID: 37079061, 25240749)

Blueprint Genetics
Classification: Likely benign. Last evaluated: 2024-11-13. Review status: criteria provided, single submitter. Criteria: ACMG Guidelines, 2015. Collection method: clinical testing. Allele origin: germline.

Illumina Laboratory Services, Illumina
Classification: Uncertain significance for Stickler syndrome type 2. Last evaluated: 2018-01-13. Review status: criteria provided, single submitter. Criteria: ICSL Variant Classification Criteria 13 December 2019. Collection method: clinical testing. Allele origin: germline.

Illumina Laboratory Services, Illumina
Classification: Uncertain significance for Fibrochondrogenesis 1. Last evaluated: 2018-01-13. Review status: criteria provided, single submitter. Criteria: ICSL Variant Classification Criteria 13 December 2019. Collection method: clinical testing. Allele origin: germline.

Eurofins Ntd Llc (ga)
Classification: Uncertain significance. Last evaluated: 2015-11-24. Review status: criteria provided, single submitter. Criteria: EGL Classification Definitions 2015. Collection method: clinical testing. Allele origin: germline. Observed: 2 variant alleles, 2 heterozygotes.

Institute of Human Genetics, Univ. Regensburg, Univ. Regensburg
Classification: Uncertain significance for Retinal dystrophy. Last evaluated: 2023-01-01. Review status: no assertion criteria provided. Criteria: ACMG Guidelines, 2015. Collection method: clinical testing. Allele origin: germline. Affected: yes. Not counted in ClinVar's aggregate classification.

Literature cited by the submitters: PubMed 37079061 (cited by Labcorp Genetics (formerly Invitae), Labcorp).